The following is an entry in ClinVar:

NM_000303.3(PMM2):c.697G>A (p.Ala233Thr)

Gene: PMM2 (phosphomannomutase 2; plus strand). Cytogenetic location: 16p13.2.
Variant type: single nucleotide variant.
Coding change: c.697G>A on transcript NM_000303.3 (MANE Select); coding-DNA position 697, G replaced by A.
Protein change: p.Ala233Thr; replaces alanine 233 with threonine.
Molecular consequence: missense variant.
Genome position (GRCh38, 1-based): chr16:8,847,781, G>A. VCF-style: chr16-8847781-G-A. GRCh37 (hg19) VCF-style: chr16-8941638-G-A.
Other names: short protein forms A233T.
Identifiers: ClinVar variation 2137781 (VCV002137781.5), dbSNP rs2060937559, ClinGen allele CA394689608.

ClinVar aggregate classification (germline): Uncertain significance. Review status: criteria provided, multiple submitters, no conflicts (2 of 4 stars). 2 submissions from 2 submitters: Uncertain significance (2). Last evaluated 2025-11-07.

Conditions:
PMM2-congenital disorder of glycosylation. Also called: JAEKEN SYNDROME; PHOSPHOMANNOMUTASE 2 DEFICIENCY; CARBOHYDRATE-DEFICIENT GLYCOPROTEIN SYNDROME, TYPE Ia; Congenital disorder of glycosylation, type Ia; CDG Ia; PMM2-CDG. Identifiers: Orphanet 79318, MedGen C0349653, MONDO:0008907, OMIM 212065.

Allele frequency attached by ClinVar (database versions not stated): gnomAD exomes below 0.00001; TOPMed below 0.00001.
gnomAD v4.1: 2 of 1,613,990 alleles (0.00012%); highest among the groups gnomAD compares: Non-Finnish European, 0.00017%; no homozygotes.

Submissions (2):

Women's Health and Genetics/Laboratory Corporation of America, LabCorp
Classification: Uncertain significance. Last evaluated: 2025-11-07. Review status: criteria provided, single submitter. Criteria: LabCorp Variant Classification Summary - May 2015. Collection method: clinical testing. Allele origin: germline.
Comment: Variant summary: PMM2 c.697G>A (p.Ala233Thr) results in a non-conservative amino acid change in the encoded protein sequence. Algorithms developed to predict the effect of missense changes on protein structure and function are either unavailable or do not agree on the potential impact of this missense change. The variant was absent in 251208 control chromosomes. The available data on variant occurrences in the general population are insufficient to allow any conclusion about variant significance. c.697G>A has been observed in cis with a known pathogenic variant in individual(s) affected with Congenital Disorder Of Glycosylation Type 1a (example, Grunewald_2001, Matthijs_1998, Matthijs_2000), without strong evidence for causality. These report(s) do not provide unequivocal conclusions about association of the variant with Congenital Disorder Of Glycosylation Type 1a. To our knowledge, no experimental evidence demonstrating an impact on protein function has been reported. The following publications have been ascertained in the context of this evaluation (PMID: 16009061, 34859900, 11156536, 9497260, 19862844, 11891694, 10527672, 31870226, 11058895, 10571009, 40307862, 40737785, 12357336). ClinVar contains an entry for this variant (Variation ID: 2137781). Based on the evidence outlined above, the variant was classified as VUS-possibly benign.

Labcorp Genetics (formerly Invitae), Labcorp
Classification: Uncertain significance for PMM2-congenital disorder of glycosylation. Last evaluated: 2023-07-07. Review status: criteria provided, single submitter. Criteria: Invitae Variant Classification Sherloc (09022015). Collection method: clinical testing. Allele origin: germline.
Comment: In summary, the available evidence is currently insufficient to determine the role of this variant in disease. Therefore, it has been classified as a Variant of Uncertain Significance. ClinVar contains an entry for this variant (Variation ID: 2137781). This missense change has been observed in individual(s) with congenital disorder of glycosylation type 1a (PMID: 9497260). This variant is not present in population databases (gnomAD no frequency). This sequence change replaces alanine, which is neutral and non-polar, with threonine, which is neutral and polar, at codon 233 of the PMM2 protein (p.Ala233Thr). Advanced modeling of protein sequence and biophysical properties (such as structural, functional, and spatial information, amino acid conservation, physicochemical variation, residue mobility, and thermodynamic stability) performed at Invitae indicates that this missense variant is not expected to disrupt PMM2 protein function.

Literature cited by the submitters: PubMed 9497260 (cited by Women's Health and Genetics/Laboratory Corporation of America, LabCorp and Labcorp Genetics (formerly Invitae), Labcorp); PubMed 10527672 (cited by Women's Health and Genetics/Laboratory Corporation of America, LabCorp); PubMed 11156536 (cited by Women's Health and Genetics/Laboratory Corporation of America, LabCorp); PubMed 11058895 (cited by Women's Health and Genetics/Laboratory Corporation of America, LabCorp); PubMed 10571009 (cited by Women's Health and Genetics/Laboratory Corporation of America, LabCorp); PubMed 12357336 (cited by Women's Health and Genetics/Laboratory Corporation of America, LabCorp); PubMed 11891694 (cited by Women's Health and Genetics/Laboratory Corporation of America, LabCorp); PubMed 19862844 (cited by Women's Health and Genetics/Laboratory Corporation of America, LabCorp); PubMed 34859900 (cited by Women's Health and Genetics/Laboratory Corporation of America, LabCorp); PubMed 16009061 (cited by Women's Health and Genetics/Laboratory Corporation of America, LabCorp); PubMed 40737785 (cited by Women's Health and Genetics/Laboratory Corporation of America, LabCorp); PubMed 31870226 (cited by Women's Health and Genetics/Laboratory Corporation of America, LabCorp); PubMed 40307862 (cited by Women's Health and Genetics/Laboratory Corporation of America, LabCorp).